The following is an entry in ClinVar:

NM_006648.4(WNK2):c.5589G>A (p.Met1863Ile)

Gene: WNK2 (WNK lysine deficient protein kinase 2; plus strand). Cytogenetic location: 9q22.31.
Variant type: single nucleotide variant.
Coding change: c.5589G>A on transcript NM_006648.4 (MANE Select); coding-DNA position 5589, G replaced by A.
Protein change: p.Met1863Ile; replaces methionine 1863 with isoleucine.
Molecular consequence: missense variant.
Genome position (GRCh38, 1-based): chr9:93,293,054, G>A. VCF-style: chr9-93293054-G-A. GRCh37 (hg19) VCF-style: chr9-96055336-G-A.
Other names: c.5700G>A, p.Met1900Ile (NM_001282394.3); short protein forms M1863I, M1900I.
Identifiers: ClinVar variation 4866718 (VCV004866718.1).

ClinVar aggregate classification (germline): Uncertain significance (1 of 4 stars; one submission).

Submission:

Ambry Genetics
Classification: Uncertain significance. Last evaluated: 2026-05-31. Review status: criteria provided, single submitter. Criteria: Ambry Variant Classification Scheme 2023. Collection method: clinical testing. Allele origin: germline.
Comment: The p.M1863I variant (also known as c.5589G>A), located in coding exon 22 of the WNK2 gene, results from a G to A substitution at nucleotide position 5589. The methionine at codon 1863 is replaced by isoleucine, an amino acid with highly similar properties. This amino acid position is conserved. In addition, this alteration is predicted to be tolerated by in silico analysis. Based on the available evidence, the clinical significance of this variant remains unclear.